The following is an entry in ClinVar:

NM_000360.4(TH):c.584C>T (p.Ser195Leu)

Gene: TH (tyrosine hydroxylase; minus strand). Cytogenetic location: 11p15.5.
Variant type: single nucleotide variant.
Coding change: c.584C>T on transcript NM_000360.4 (MANE Select); coding-DNA position 584, C replaced by T.
Protein change: p.Ser195Leu; replaces serine 195 with leucine.
Molecular consequence: missense variant.
Genome position (GRCh38, 1-based): chr11:2,167,926, G>A on the plus strand (C>T on the coding strand, the complement: TH is on the minus strand). VCF-style: chr11-2167926-G-A. GRCh37 (hg19) VCF-style: chr11-2189156-G-A.
Other names: c.677C>T, p.Ser226Leu (NM_199292.3); c.665C>T, p.Ser222Leu (NM_199293.3); short protein forms S226L, S195L, S222L.
Identifiers: ClinVar variation 567786 (VCV000567786.4), dbSNP rs372409517, ClinGen allele CA5818585.
Genomic context (GRCh38, chr11:2,167,926, plus strand): 5'-TGCCTGTACTGGAAGGCGATCTCAGCAATCAGCTTCCTGCGCTGGCGGTACACCTGGTCC[G>A]AGAAGCCCTGAGGGCAGAGGGGATGCACGGGTCAGGAGGCTGTGCTGGGGTGGGGGCACA-3'
Protein context (NP_000351.2, residues 185-205): PDLDLDHPGF[Ser195Leu]DQVYRQRRKL

ClinVar aggregate classification (germline): Uncertain significance. Review status: criteria provided, single submitter (1 of 4 stars). 2 submissions from 2 submitters: Uncertain significance (1). 1 of the submissions does not count toward it. Last evaluated 2022-04-11.

Conditions:
TH-deficient dopa-responsive dystonia. Also called: DYT-TH; Tyrosine Hydroxylase-Deficient Dopa-Responsive Dystonia; Segawa syndrome, autosomal recessive. Identifiers: Orphanet 101150, MedGen C2673535, MONDO:0011551, OMIM 605407.

Allele frequency attached by ClinVar (database versions not stated): gnomAD exomes 0.00002; TOPMed 0.00002; ExAC 0.00001; gnomAD 0.00001; ESP Exome Variant Server 0.00008.
gnomAD v4.1: 30 of 1,611,372 alleles (0.0019%); highest among the groups gnomAD compares: African/African-American, 0.004%; no homozygotes.

Submissions (2):

Labcorp Genetics (formerly Invitae), Labcorp
Classification: Uncertain significance for TH-deficient dopa-responsive dystonia. Last evaluated: 2022-04-11. Review status: criteria provided, single submitter. Criteria: Invitae Variant Classification Sherloc (09022015). Collection method: clinical testing. Allele origin: germline.
Comment: This sequence change replaces serine, which is neutral and polar, with leucine, which is neutral and non-polar, at codon 226 of the TH protein (p.Ser226Leu). The frequency data for this variant in the population databases is considered unreliable, as metrics indicate poor data quality at this position in the gnomAD database. This variant has not been reported in the literature in individuals affected with TH-related conditions. ClinVar contains an entry for this variant (Variation ID: 567786). Advanced modeling of protein sequence and biophysical properties (such as structural, functional, and spatial information, amino acid conservation, physicochemical variation, residue mobility, and thermodynamic stability) performed at Invitae indicates that this missense variant is expected to disrupt TH protein function. In summary, the available evidence is currently insufficient to determine the role of this variant in disease. Therefore, it has been classified as a Variant of Uncertain Significance.

Natera, Inc.
Classification: Uncertain significance for Autosomal recessive Segawa syndrome. Last evaluated: 2020-01-24. Review status: no assertion criteria provided. Collection method: clinical testing. Allele origin: germline. Not counted in ClinVar's aggregate classification.